The following is an entry in ClinVar:

ClinVar aggregate classification (germline): Uncertain significance (1 of 4 stars; one submission).

Conditions:
Primary ciliary dyskinesia. Also called: Ciliary dyskinesia. Identifiers: Orphanet 244, MedGen C0008780, MONDO:0016575, HP:0012265.

Allele frequency attached by ClinVar (database versions not stated): gnomAD exomes below 0.00001.
gnomAD v4.1: 1 of 1,549,846 alleles (0.000065%); highest among the groups gnomAD compares: Admixed American, 0.002%; no homozygotes.

Submission:

Labcorp Genetics (formerly Invitae), Labcorp
Classification: Uncertain significance for Primary ciliary dyskinesia. Last evaluated: 2021-08-26. Review status: criteria provided, single submitter. Criteria: Invitae Variant Classification Sherloc (09022015). Collection method: clinical testing. Allele origin: germline.
Comment: This sequence change replaces threonine with isoleucine at codon 22 of the DNAH11 protein (p.Thr22Ile). The threonine residue is weakly conserved and there is a moderate physicochemical difference between threonine and isoleucine. This variant is not present in population databases (ExAC no frequency). This variant has not been reported in the literature in individuals affected with DNAH11-related conditions. Algorithms developed to predict the effect of missense changes on protein structure and function output the following: SIFT: "Tolerated"; PolyPhen-2: "Benign"; Align-GVGD: "Class C0". The isoleucine amino acid residue is found in multiple mammalian species, which suggests that this missense change does not adversely affect protein function. In summary, the available evidence is currently insufficient to determine the role of this variant in disease. Therefore, it has been classified as a Variant of Uncertain Significance.

NM_001277115.2(DNAH11):c.65C>T (p.Thr22Ile)

Gene: DNAH11 (dynein axonemal heavy chain 11; plus strand). Cytogenetic location: 7p15.3.
Variant type: single nucleotide variant.
Coding change: c.65C>T on transcript NM_001277115.2 (MANE Select); coding-DNA position 65, C replaced by T.
Protein change: p.Thr22Ile; replaces threonine 22 with isoleucine.
Molecular consequence: missense variant.
Genome position (GRCh38, 1-based): chr7:21,543,310, C>T. VCF-style: chr7-21543310-C-T. GRCh37 (hg19) VCF-style: chr7-21582928-C-T.
Other names: short protein forms T22I.
Identifiers: ClinVar variation 580981 (VCV000580981.6), dbSNP rs1562648351, ClinGen allele CA366931072.